The following is an entry in ClinVar:

NM_001366244.2(GOLGA2):c.1902T>G (p.Ser634Arg)

Gene: GOLGA2 (golgin A2; minus strand). Cytogenetic location: 9q34.11.
Variant type: single nucleotide variant.
Coding change: c.1902T>G on transcript NM_001366244.2 (MANE Select); coding-DNA position 1902, T replaced by G.
Protein change: p.Ser634Arg; replaces serine 634 with arginine.
Molecular consequence: missense variant.
Genome position (GRCh38, 1-based): chr9:128,259,362, A>C on the plus strand (T>G on the coding strand, the complement: GOLGA2 is on the minus strand). VCF-style: chr9-128259362-A-C. GRCh37 (hg19) VCF-style: chr9-131021641-A-C.
Other names: c.1821T>G, p.Ser607Arg (NM_001366246.2, NM_004486.6); c.1887T>G, p.Ser629Arg (NM_001389695.2); c.1884T>G, p.Ser628Arg (NM_001389696.2); c.1809T>G, p.Ser603Arg (NM_001389697.2); c.1803T>G, p.Ser601Arg (NM_001389698.2); c.1782T>G, p.Ser594Arg (NM_001389699.2, NM_001389700.2); c.1740T>G, p.Ser580Arg (NM_001389701.2); c.1716T>G, p.Ser572Arg (NM_001389702.2); and 3 more; short protein forms S476R, S483R, S567R, S572R, S580R, S594R, S601R, S603R.
Identifiers: ClinVar variation 4872358 (VCV004872358.3).
Genomic context (GRCh38, chr9:128,259,362, plus strand): 5'-CTGATAGGCGGCCACATACTGCTGCAGGTGTCCCAGGTACTGGTCTCGCTGCTGCTGCAG[A>C]CTTTGAGCCTCTTGGCTCTTCAGCTCCACCTGTAGGAAGACCCTGGGCGTGAGGGCAGGT-3'
Protein context (NP_001353173.2, residues 624-644): TVELKSQEAQ[Ser634Arg]LQQQRDQYLG

ClinVar aggregate classification (germline): Likely benign. Review status: criteria provided, multiple submitters, no conflicts (2 of 4 stars). 2 submissions from 2 submitters: Likely benign (2). Last evaluated 2026-04-01.

gnomAD v4.1: 1,147 of 1,598,764 alleles (0.072%); highest among the groups gnomAD compares: African/African-American, 1.4%; 8 homozygotes.

Submissions (2):

CeGaT Center for Human Genetics Tuebingen
Classification: Likely benign. Last evaluated: 2026-04-01. Review status: criteria provided, single submitter. Criteria: CeGaT Center For Human Genetics Tuebingen Variant Classification Criteria Version 2. Collection method: clinical testing. Allele origin: germline. Affected: yes. Observed: 1 variant allele.
Comment: GOLGA2: BP4, BS1

Blueprint Genetics
Classification: Likely benign. Last evaluated: 2024-10-09. Review status: criteria provided, single submitter. Criteria: ACMG Guidelines, 2015. Collection method: clinical testing. Allele origin: germline.